The following is an entry in ClinVar:

NM_003638.3(ITGA8):c.1548T>C (p.Ala516=)

Gene: ITGA8 (integrin subunit alpha 8; minus strand). Cytogenetic location: 10p13.
Variant type: single nucleotide variant.
Coding change: c.1548T>C on transcript NM_003638.3 (MANE Select); coding-DNA position 1548, T replaced by C.
Protein change: p.Ala516=; no amino-acid change (alanine 516 retained).
Molecular consequence: synonymous variant.
Genome position (GRCh38, 1-based): chr10:15,613,665, A>G on the plus strand (T>C on the coding strand, the complement: ITGA8 is on the minus strand). VCF-style: chr10-15613665-A-G. GRCh37 (hg19) VCF-style: chr10-15655664-A-G.
Other names: c.1503T>C, p.Ala501= (NM_001291494.2); c.1548T>C (NM_003638.2).
Identifiers: ClinVar variation 3013674 (VCV003013674.5), dbSNP rs562827386, ClinGen allele CA5420184.

ClinVar aggregate classification (germline): Likely benign. Review status: criteria provided, single submitter (1 of 4 stars). 2 submissions from 2 submitters: Likely benign (1). 1 of the submissions does not count toward it. Last evaluated 2025-10-14.

Conditions:
ITGA8-related disorder. Also called: ITGA8-related condition.

Allele frequency attached by ClinVar (database versions not stated): 1000 Genomes Project 0.00100; gnomAD 0.00008; ExAC 0.00005; TOPMed 0.00006; 1000 Genomes Project 30x 0.00078.
gnomAD v4.1: 52 of 1,604,494 alleles (0.0032%); highest among the groups gnomAD compares: East Asian, 0.098%; no homozygotes.

Submissions (2):

Labcorp Genetics (formerly Invitae), Labcorp
Classification: Likely benign. Last evaluated: 2025-10-14. Review status: criteria provided, single submitter. Criteria: Invitae Variant Classification Sherloc (09022015). Collection method: clinical testing. Allele origin: germline.

PreventionGenetics, part of Exact Sciences
Classification: Likely benign for ITGA8-related condition. Last evaluated: 2019-08-09. Review status: no assertion criteria provided. Collection method: clinical testing. Allele origin: germline. Not counted in ClinVar's aggregate classification.
Comment: This variant is classified as likely benign based on ACMG/AMP sequence variant interpretation guidelines (Richards et al. 2015 PMID: 25741868, with internal and published modifications).